The following is an entry in ClinVar:

ClinVar aggregate classification (germline): Uncertain significance (1 of 4 stars; one submission).

Conditions:
PLXNA3-related disorder. Also called: PLXNA3-related condition.

gnomAD v4.1: 2 of 1,204,388 alleles (0.00017%); highest among the groups gnomAD compares: Admixed American, 0.0044%; no homozygotes.

Submission:

PreventionGenetics, part of Exact Sciences
Classification: Uncertain significance for PLXNA3-related condition. Last evaluated: 2024-12-03. Review status: criteria provided, single submitter. Criteria: ACMG Guidelines, 2015. Collection method: clinical testing. Allele origin: germline.
Comment: The PLXNA3 c.404A>G variant is predicted to result in the amino acid substitution p.His135Arg. To our knowledge, this variant has not been reported in the literature. This variant is reported in 0.0038% of alleles in individuals of Latino descent in gnomAD. At this time, the clinical significance of this variant is uncertain due to the absence of conclusive functional and genetic evidence.

NM_017514.5(PLXNA3):c.404A>G (p.His135Arg)

Gene: PLXNA3 (plexin A3; plus strand). Cytogenetic location: Xq28.
Variant type: single nucleotide variant.
Coding change: c.404A>G on transcript NM_017514.5 (MANE Select); coding-DNA position 404, A replaced by G.
Protein change: p.His135Arg; replaces histidine 135 with arginine.
Molecular consequence: missense variant.
Genome position (GRCh38, 1-based): chrX:154,460,587, A>G. VCF-style: chrX-154460587-A-G. GRCh37 (hg19) VCF-style: chrX-153688927-A-G.
Other names: short protein forms H135R.
Identifiers: ClinVar variation 4985301 (VCV004985301.1).